The following is an entry in ClinVar:

NM_022489.4(INF2):c.17G>T (p.Gly6Val)

Gene: INF2 (inverted formin 2; plus strand). Cytogenetic location: 14q32.33.
Variant type: single nucleotide variant.
Coding change: c.17G>T on transcript NM_022489.4 (MANE Select); coding-DNA position 17, G replaced by T.
Protein change: p.Gly6Val; replaces glycine 6 with valine.
Molecular consequence: missense variant.
Genome position (GRCh38, 1-based): chr14:104,701,382, G>T. VCF-style: chr14-104701382-G-T. GRCh37 (hg19) VCF-style: chr14-105167719-G-T.
Other names: c.17G>T, p.Gly6Val (NM_001031714.4, NM_001426862.1, NM_001426863.1 and 6 more transcripts); short protein forms G6V.
Identifiers: ClinVar variation 2947602 (VCV002947602.3), dbSNP rs2504230553, ClinGen allele CA391224348.

ClinVar aggregate classification (germline): Uncertain significance (1 of 4 stars; one submission).

Conditions:
Focal segmental glomerulosclerosis 5 (FSGS5). Identifiers: Orphanet 656, MedGen C2750475, MONDO:0013191, OMIM 613237.
Charcot-Marie-Tooth disease dominant intermediate E. Also called: CHARCOT-MARIE-TOOTH NEUROPATHY WITH FOCAL SEGMENTAL GLOMERULONEPHRITIS. Identifiers: Orphanet 93114, MedGen C4302667, MONDO:0013758, OMIM 614455.

Allele frequency attached by ClinVar (database versions not stated): gnomAD exomes below 0.00001.
gnomAD v4.1: 4 of 1,586,066 alleles (0.00025%); highest among the groups gnomAD compares: Non-Finnish European, 0.00034%; no homozygotes.

Submission:

Labcorp Genetics (formerly Invitae), Labcorp
Classification: Uncertain significance for Charcot-Marie-Tooth disease dominant intermediate E; Focal segmental glomerulosclerosis 5. Last evaluated: 2023-05-09. Review status: criteria provided, single submitter. Criteria: Invitae Variant Classification Sherloc (09022015). Collection method: clinical testing. Allele origin: germline.
Comment: In summary, the available evidence is currently insufficient to determine the role of this variant in disease. Therefore, it has been classified as a Variant of Uncertain Significance. Advanced modeling of protein sequence and biophysical properties (such as structural, functional, and spatial information, amino acid conservation, physicochemical variation, residue mobility, and thermodynamic stability) performed at Invitae indicates that this missense variant is expected to disrupt INF2 protein function. This variant has not been reported in the literature in individuals affected with INF2-related conditions. This variant is not present in population databases (gnomAD no frequency). This sequence change replaces glycine, which is neutral and non-polar, with valine, which is neutral and non-polar, at codon 6 of the INF2 protein (p.Gly6Val).